The following is an entry in ClinVar:

NM_001009944.3(PKD1):c.5168T>G (p.Val1723Gly)

Gene: PKD1 (polycystin 1, transient receptor potential channel interacting; minus strand). Cytogenetic location: 16p13.3.
Variant type: single nucleotide variant.
Coding change: c.5168T>G on transcript NM_001009944.3 (MANE Select); coding-DNA position 5168, T replaced by G.
Protein change: p.Val1723Gly; replaces valine 1723 with glycine.
Molecular consequence: missense variant.
Genome position (GRCh38, 1-based): chr16:2,109,999, A>C on the plus strand (T>G on the coding strand, the complement: PKD1 is on the minus strand). VCF-style: chr16-2109999-A-C. GRCh37 (hg19) VCF-style: chr16-2160000-A-C.
Other names: c.5168T>G, p.Val1723Gly (NM_000296.4); short protein forms V1723G.
Identifiers: ClinVar variation 2632401 (VCV002632401.1), dbSNP rs890082891, ClinGen allele CA276781761.

ClinVar aggregate classification (germline): Uncertain significance (1 of 4 stars; one submission).

Conditions:
PKD1-related disorder. Also called: PKD1-related condition.

Submission:

PreventionGenetics, part of Exact Sciences
Classification: Uncertain significance for PKD1-related condition. Last evaluated: 2023-06-30. Review status: criteria provided, single submitter. Criteria: ACMG Guidelines, 2015. Collection method: clinical testing. Allele origin: germline.
Comment: The PKD1 c.5168T>G variant is predicted to result in the amino acid substitution p.Val1723Gly. To our knowledge, this variant has not been reported in the literature or in a large population database, indicating this variant is rare. This variant falls within a highly paralogous region. Allele frequency data should be interpreted with caution. At this time, the clinical significance of this variant is uncertain due to the absence of conclusive functional and genetic evidence.